The following is an entry in ClinVar:

ClinVar aggregate classification (germline): Uncertain significance (1 of 4 stars; one submission).

Conditions:
Familial episodic pain syndrome with predominantly lower limb involvement. Also called: Episodic pain syndrome, familial, 3. Identifiers: Orphanet 391384, Orphanet 391392, MedGen C3809899, MONDO:0014247, OMIM 615552.
Hereditary sensory and autonomic neuropathy type 7. Also called: Neuropathy, hereditary sensory and autonomic, type VII; HSAN VII. Identifiers: Orphanet 391397, MedGen C3809882, MONDO:0014244, OMIM 615548.

Allele frequency attached by ClinVar (database versions not stated): ESP Exome Variant Server 0.00008.
gnomAD v4.1: 1 of 1,614,002 alleles (0.000062%); highest among the groups gnomAD compares: Non-Finnish European, 0.000085%; no homozygotes.

Submission:

Labcorp Genetics (formerly Invitae), Labcorp
Classification: Uncertain significance for Familial episodic pain syndrome with predominantly lower limb involvement; Hereditary sensory and autonomic neuropathy type 7. Last evaluated: 2023-12-09. Review status: criteria provided, single submitter. Criteria: Invitae Variant Classification Sherloc (09022015). Collection method: clinical testing. Allele origin: germline.
Comment: This sequence change replaces methionine, which is neutral and non-polar, with leucine, which is neutral and non-polar, at codon 596 of the SCN11A protein (p.Met596Leu). This variant is present in population databases (rs371438698, gnomAD 0.003%). This variant has not been reported in the literature in individuals affected with SCN11A-related conditions. Advanced modeling of protein sequence and biophysical properties (such as structural, functional, and spatial information, amino acid conservation, physicochemical variation, residue mobility, and thermodynamic stability) performed at Invitae indicates that this missense variant is not expected to disrupt SCN11A protein function with a negative predictive value of 80%. In summary, the available evidence is currently insufficient to determine the role of this variant in disease. Therefore, it has been classified as a Variant of Uncertain Significance.

NM_001349253.2(SCN11A):c.1786A>T (p.Met596Leu)

Gene: SCN11A (sodium voltage-gated channel alpha subunit 11; minus strand). Cytogenetic location: 3p22.2.
Variant type: single nucleotide variant.
Coding change: c.1786A>T on transcript NM_001349253.2 (MANE Select); coding-DNA position 1786, A replaced by T.
Protein change: p.Met596Leu; replaces methionine 596 with leucine.
Molecular consequence: missense variant.
Genome position (GRCh38, 1-based): chr3:38,903,921, T>A on the plus strand (A>T on the coding strand, the complement: SCN11A is on the minus strand). VCF-style: chr3-38903921-T-A. GRCh37 (hg19) VCF-style: chr3-38945412-T-A.
Other names: c.1786A>T, p.Met596Leu (NM_014139.3); short protein forms M596L.
Identifiers: ClinVar variation 2923701 (VCV002923701.3), dbSNP rs371438698, ClinGen allele CA2322214.
Genomic context (GRCh38, chr3:38,903,921, plus strand): 5'-TTACCAAATTCCCTATATTCAACATCTTCTCAAAACTGGCCTCCATCTTGTGATGCTCCA[T>A]GGCCAAGAAGACAGTGTTGATGATGATGCAGATGGTGATGGCCAGCTCAGTAAACGGGTC-3'
Protein context (NP_001336182.1, residues 586-606): CIIINTVFLA[Met596Leu]EHHKMEASFE